The following is an entry in ClinVar:

NM_001292063.2(OTOG):c.385G>A (p.Val129Met)

Gene: OTOG (otogelin; plus strand). Cytogenetic location: 11p15.1.
Variant type: single nucleotide variant.
Coding change: c.385G>A on transcript NM_001292063.2 (MANE Select); coding-DNA position 385, G replaced by A.
Protein change: p.Val129Met; replaces valine 129 with methionine.
Molecular consequence: missense variant.
Genome position (GRCh38, 1-based): chr11:17,553,211, G>A. VCF-style: chr11-17553211-G-A. GRCh37 (hg19) VCF-style: chr11-17574758-G-A.
Other names: c.[421G>A] (NM_001277269.2); c.421G>A, p.Val141Met (NM_001277269.2); short protein forms V141M, V129M.
Identifiers: ClinVar variation 229094 (VCV000229094.45), dbSNP rs552304627, ClinGen allele CA5905344.
Genomic context (GRCh38, chr11:17,553,211, plus strand): 5'-GTGCACCCAGCCTTCTGTGACTGCAGACGCTTCAATGCCACTGGACCGCGCTGCCAGATG[G>A]GTGGGTCTGGGCTCCACCCCACCCCCAGGAAGGGACCTGGGTGCAGGGAAAGCTAGGGAG-3'
Protein context (NP_001278992.1, residues 119-139): FNATGPRCQM[Val129Met]YNAGPERDSI

ClinVar aggregate classification (germline): Conflicting classifications of pathogenicity. Review status: criteria provided, conflicting classifications (1 of 4 stars). 11 submissions from 11 submitters: Uncertain significance (8); Likely benign (2). 1 of the submissions does not count toward it. Last evaluated 2026-01-27.

Conditions:
OTOG-related disorder. Also called: OTOG-related condition.
Meniere disease. Also called: Ménière's disease. Identifiers: MedGen C0025281, MONDO:0007972, OMIM 156000.
Autosomal recessive nonsyndromic hearing loss 18B. Also called: Deafness, autosomal recessive 18b. Identifiers: Orphanet 90636, MedGen C3554163, MONDO:0013985, OMIM 614945.

Allele frequency attached by ClinVar (database versions not stated): ExAC 0.00041; 1000 Genomes Project 0.00060; gnomAD 0.00081 and 0.00083; gnomAD exomes 0.00088 and 0.00091; 1000 Genomes Project 30x 0.00094; TOPMed 0.00110.

Submissions (11):

Labcorp Genetics (formerly Invitae), Labcorp
Classification: Uncertain significance. Last evaluated: 2026-01-27. Review status: criteria provided, single submitter. Criteria: Invitae Variant Classification Sherloc (09022015). Collection method: clinical testing. Allele origin: germline.
Comment: This sequence change replaces valine, which is neutral and non-polar, with methionine, which is neutral and non-polar, at codon 141 of the OTOG protein (p.Val141Met). This variant also falls at the last nucleotide of exon 4, which is part of the consensus splice site for this exon. This variant is present in population databases (rs552304627, gnomAD 0.2%), including at least one homozygous and/or hemizygous individual. This missense change has been observed in individual(s) with familial Meniere disease (PMID: 38519595). ClinVar contains an entry for this variant (Variation ID: 229094). An algorithm developed to predict the effect of missense changes on protein structure and function (PolyPhen-2) suggests that this variant is likely to be disruptive. Variants that disrupt the consensus splice site are a relatively common cause of aberrant splicing (PMID: 17576681, 9536098). Algorithms developed to predict the effect of sequence changes on RNA splicing suggest that this variant may disrupt the consensus splice site. In summary, the available evidence is currently insufficient to determine the role of this variant in disease. Therefore, it has been classified as a Variant of Uncertain Significance.

Genomic Medicine Center of Excellence, King Faisal Specialist Hospital and Research Centre
Classification: Uncertain significance for Autosomal recessive nonsyndromic hearing loss 18B. Last evaluated: 2025-09-10. Review status: criteria provided, single submitter. Criteria: ACMG Guidelines, 2015. Collection method: clinical testing. Allele origin: germline.

Blueprint Genetics
Classification: Uncertain significance. Last evaluated: 2024-11-23. Review status: criteria provided, single submitter. Criteria: ACMG Guidelines, 2015. Collection method: clinical testing. Allele origin: germline.

PreventionGenetics, part of Exact Sciences
Classification: Likely benign for OTOG-related condition. Last evaluated: 2024-10-28. Review status: criteria provided, single submitter. Criteria: ACMG Guidelines, 2015. Collection method: clinical testing. Allele origin: germline.
Comment: This variant is classified as likely benign based on ACMG/AMP sequence variant interpretation guidelines (Richards et al. 2015 PMID: 25741868, with internal and published modifications).

Laboratory for Molecular Medicine, Mass General Brigham Personalized Medicine
Classification: Uncertain significance. Last evaluated: 2023-11-21. Review status: criteria provided, single submitter. Criteria: ACMG Guidelines, 2015. Collection method: clinical testing. Allele origin: germline.
Comment: This variant has been reported by other clinical laboratories in ClinVar (Variation ID 229094) and has been identified in 1.3% (4/316) of Middle Eastern and 0.17% (27/15286) of Admixed American chromosomes by gnomAD (v.3.1.2). Computational prediction tools and conservation analyses do not provide strong support for or against an impact to the protein. This variant is located in the last base of the exon, which is part of the 5’ splice region. Splice site computational tools suggest a possible impact to splicing, however, this information is not predictive enough to determine pathogenicity. In summary, the clinical significance of the p.Val141Met variant is uncertain. ACMG/AMP Criteria applied: BS1_Supporting.

CeGaT Center for Human Genetics Tuebingen
Classification: Uncertain significance. Last evaluated: 2023-10-01. Review status: criteria provided, single submitter. Criteria: CeGaT Center For Human Genetics Tuebingen Variant Classification Criteria Version 2. Collection method: clinical testing. Allele origin: germline. Affected: yes. Observed: 1 variant allele.
Comment: OTOG: PP3, BS1:Supporting

Department of Pathology and Laboratory Medicine, Sinai Health System
Classification: Uncertain significance for Autosomal recessive nonsyndromic hearing loss 18B. Last evaluated: 2023-04-24. Review status: criteria provided, single submitter. Criteria: ACMG Guidelines, 2015. Collection method: research. Allele origin: germline.

Mendelics
Classification: Uncertain significance. Last evaluated: 2022-05-04. Review status: criteria provided, single submitter. Criteria: Mendelics Assertion Criteria 2019. Collection method: clinical testing. Allele origin: germline.

GeneDx
Classification: Likely benign. Last evaluated: 2020-12-08. Review status: criteria provided, single submitter. Criteria: GeneDx Variant Classification Process June 2021. Collection method: clinical testing. Allele origin: germline. Affected: yes.

Baylor Genetics
Classification: Uncertain significance for Autosomal recessive nonsyndromic hearing loss 18B. Last evaluated: 2019-01-16. Review status: criteria provided, single submitter. Criteria: ACMG Guidelines, 2015. Collection method: clinical testing. Allele origin: unknown. Affected: yes.
Comment: This variant was determined to be of uncertain significance according to ACMG Guidelines, 2015 [PMID:25741868].

Otology & Neurotology- Genomics of vestibular disorders (CTS-495), Jose Antonio López Escámez, Centro Pfizer - Universidad de Granada - Junta de Andalucía de Genómica e Investigación Oncológica (GENYO)
Classification: Likely pathogenic for Meniere disease. Last evaluated: 2020-01-01. Review status: flagged submission. Criteria: ACMG Guidelines, 2015. Collection method: case-control. Allele origin: germline. Affected: yes. Observed: 3 variant alleles, 3 heterozygotes. Clinical features observed: Sensorineural hearing loss (HP:0000407), Vertigo (HP:0002321), Tinnitus (HP:0000360). Not counted in ClinVar's aggregate classification.
ClinVar note: Reason: Outlier claim with insufficient supporting evidence

Literature cited by the submitters: PubMed 38519595 (cited by Labcorp Genetics (formerly Invitae), Labcorp); PubMed 17576681 (cited by Labcorp Genetics (formerly Invitae), Labcorp); PubMed 9536098 (cited by Labcorp Genetics (formerly Invitae), Labcorp).